The following is an entry in ClinVar:

NM_002693.3(POLG):c.1189G>A (p.Ala397Thr)

Gene: POLG (DNA polymerase gamma, catalytic subunit; minus strand). Cytogenetic location: 15q26.1.
Variant type: single nucleotide variant.
Coding change: c.1189G>A on transcript NM_002693.3 (MANE Select); coding-DNA position 1189, G replaced by A.
Protein change: p.Ala397Thr; replaces alanine 397 with threonine.
Molecular consequence: missense variant.
Genome position (GRCh38, 1-based): chr15:89,328,517, C>T on the plus strand (G>A on the coding strand, the complement: POLG is on the minus strand). VCF-style: chr15-89328517-C-T. GRCh37 (hg19) VCF-style: chr15-89871748-C-T.
Other names: c.1189G>A, p.Ala397Thr (NM_001126131.2); short protein forms A397T.
Identifiers: ClinVar variation 1001326 (VCV001001326.9), dbSNP rs748412462, ClinGen allele CA7724920.

ClinVar aggregate classification (germline): Uncertain significance (1 of 4 stars; one submission).

Conditions:
Progressive sclerosing poliodystrophy (MTDPS4A). Also called: ALPERS PROGRESSIVE INFANTILE POLIODYSTROPHY; ALPERS DIFFUSE DEGENERATION OF CEREBRAL GRAY MATTER WITH HEPATIC CIRRHOSIS; Alpers-Huttenlocher Syndrome; NEURONAL DEGENERATION OF CHILDHOOD WITH LIVER DISEASE, PROGRESSIVE; Alpers Syndrome; Mitochondrial DNA Depletion Syndrome 4A. Identifiers: Orphanet 726, MedGen C0205710, MONDO:0008758, OMIM 203700.

Allele frequency attached by ClinVar (database versions not stated): gnomAD exomes below 0.00001 and 0.00001; ExAC 0.00002.
gnomAD v4.1: 1 of 1,613,892 alleles (0.000062%); highest among the groups gnomAD compares: Admixed American, 0.0017%; no homozygotes.

Submission:

Labcorp Genetics (formerly Invitae), Labcorp
Classification: Uncertain significance for Progressive sclerosing poliodystrophy. Last evaluated: 2025-02-24. Review status: criteria provided, single submitter. Criteria: Invitae Variant Classification Sherloc (09022015). Collection method: clinical testing. Allele origin: germline.
Comment: This sequence change replaces alanine, which is neutral and non-polar, with threonine, which is neutral and polar, at codon 397 of the POLG protein (p.Ala397Thr). This variant is present in population databases (rs748412462, gnomAD 0.003%). This variant has not been reported in the literature in individuals affected with POLG-related conditions. ClinVar contains an entry for this variant (Variation ID: 1001326). Invitae Evidence Modeling of protein sequence and biophysical properties (such as structural, functional, and spatial information, amino acid conservation, physicochemical variation, residue mobility, and thermodynamic stability) indicates that this missense variant is expected to disrupt POLG protein function with a positive predictive value of 95%. In summary, the available evidence is currently insufficient to determine the role of this variant in disease. Therefore, it has been classified as a Variant of Uncertain Significance.